The following is an entry in ClinVar:

ClinVar aggregate classification (germline): Uncertain significance. Review status: criteria provided, multiple submitters, no conflicts (2 of 4 stars). 3 submissions from 3 submitters: Uncertain significance (3). Last evaluated 2025-12-29.

Conditions:
Hereditary cancer-predisposing syndrome. Also called: Neoplastic Syndromes, Hereditary; Hereditary Cancer Syndrome; Tumor predisposition; Hereditary neoplastic syndrome. Identifiers: Orphanet 140162, MedGen C0027672, MeSH D009386, MONDO:0015356.

Allele frequency attached by ClinVar (database versions not stated): gnomAD 0.00001; TOPMed 0.00002.

Submissions (3):

Center for Genomic Medicine, Rigshospitalet, Copenhagen University Hospital
Classification: Uncertain significance. Last evaluated: 2025-12-29. Review status: criteria provided, single submitter. Criteria: ACMG Guidelines, 2015. Collection method: clinical testing. Allele origin: germline.

Ambry Genetics
Classification: Uncertain significance for Hereditary cancer-predisposing syndrome. Last evaluated: 2025-04-09. Review status: criteria provided, single submitter. Criteria: Ambry Variant Classification Scheme 2023. Collection method: clinical testing. Allele origin: germline.
Comment: The p.M721V variant (also known as c.2161A>G), located in coding exon 14 of the CTNNA1 gene, results from an A to G substitution at nucleotide position 2161. The methionine at codon 721 is replaced by valine, an amino acid with highly similar properties. This amino acid position is conserved. In addition, the in silico prediction for this alteration is inconclusive. Based on the available evidence, the clinical significance of this variant remains unclear.

Labcorp Genetics (formerly Invitae), Labcorp
Classification: Uncertain significance. Last evaluated: 2024-05-27. Review status: criteria provided, single submitter. Criteria: Invitae Variant Classification Sherloc (09022015). Collection method: clinical testing. Allele origin: germline.
Comment: This sequence change replaces methionine, which is neutral and non-polar, with valine, which is neutral and non-polar, at codon 721 of the CTNNA1 protein (p.Met721Val). This variant is not present in population databases (gnomAD no frequency). This variant has not been reported in the literature in individuals affected with CTNNA1-related conditions. ClinVar contains an entry for this variant (Variation ID: 853153). Advanced modeling of protein sequence and biophysical properties (such as structural, functional, and spatial information, amino acid conservation, physicochemical variation, residue mobility, and thermodynamic stability) performed at Invitae indicates that this missense variant is not expected to disrupt CTNNA1 protein function with a negative predictive value of 80%. In summary, the available evidence is currently insufficient to determine the role of this variant in disease. Therefore, it has been classified as a Variant of Uncertain Significance.

NM_001903.5(CTNNA1):c.2161A>G (p.Met721Val)

Gene: CTNNA1 (catenin alpha 1; plus strand). Cytogenetic location: 5q31.2.
Variant type: single nucleotide variant.
Coding change: c.2161A>G on transcript NM_001903.5 (MANE Select); coding-DNA position 2161, A replaced by G.
Protein change: p.Met721Val; replaces methionine 721 with valine.
Molecular consequence: missense variant.
Genome position (GRCh38, 1-based): chr5:138,930,623, A>G. VCF-style: chr5-138930623-A-G. GRCh37 (hg19) VCF-style: chr5-138266312-A-G.
Other names: c.2161A>G, p.Met721Val (NM_001290307.3, NM_001323982.2, NM_001323983.1 and 2 more transcripts); c.1852A>G, p.Met618Val (NM_001290309.3); c.1792A>G, p.Met598Val (NM_001290310.3); c.1051A>G, p.Met351Val (NM_001290312.1, NM_001323987.1, NM_001323988.1 and 17 more transcripts); c.2068A>G, p.Met690Val (NM_001323986.2); c.712A>G, p.Met238Val (NM_001324006.1, NM_001324007.1, NM_001324008.1 and 2 more transcripts); c.958A>G, p.Met320Val (NM_001324011.1); c.808A>G, p.Met270Val (NM_001324012.1, NM_001324013.1); and 1 more; short protein forms M320V, M598V, M721V, M690V, M238V, M270V, M351V, M618V.
Identifiers: ClinVar variation 853153 (VCV000853153.11), dbSNP rs1263470557, ClinGen allele CA361133652.